The following is an entry in ClinVar:

NM_002617.4(PEX10):c.361C>T (p.Pro121Ser)

Gene: PEX10 (peroxisomal biogenesis factor 10; minus strand). Cytogenetic location: 1p36.32.
Variant type: single nucleotide variant.
Coding change: c.361C>T on transcript NM_002617.4 (MANE Select); coding-DNA position 361, C replaced by T.
Protein change: p.Pro121Ser; replaces proline 121 with serine.
Molecular consequence: missense variant. On other transcripts: 5 prime UTR variant (2), non-coding transcript variant (1).
Genome position (GRCh38, 1-based): chr1:2,408,691, G>A on the plus strand (C>T on the coding strand, the complement: PEX10 is on the minus strand). VCF-style: chr1-2408691-G-A. GRCh37 (hg19) VCF-style: chr1-2340130-G-A.
Other names: c.361C>T, p.Pro121Ser (NM_001374425.1, NM_153818.2); c.-72C>T (NM_001374426.1, NM_001374427.1); short protein forms P121S.
Identifiers: ClinVar variation 1504194 (VCV001504194.5), dbSNP rs1056200158, ClinGen allele CA337988322.

ClinVar aggregate classification (germline): Uncertain significance (1 of 4 stars; one submission).

Conditions:
Peroxisome biogenesis disorder, complementation group 7 (CG7). Also called: Peroxisome biogenesis disorder, complementation group B. Identifiers: MedGen C1864399.

gnomAD v4.1: 4 of 1,613,170 alleles (0.00025%); highest among the groups gnomAD compares: South Asian, 0.0022%; no homozygotes.

Submission:

Labcorp Genetics (formerly Invitae), Labcorp
Classification: Uncertain significance for Peroxisome biogenesis disorder, complementation group 7. Last evaluated: 2021-09-24. Review status: criteria provided, single submitter. Criteria: Invitae Variant Classification Sherloc (09022015). Collection method: clinical testing. Allele origin: germline.
Comment: This sequence change replaces proline with serine at codon 121 of the PEX10 protein (p.Pro121Ser). The proline residue is weakly conserved and there is a moderate physicochemical difference between proline and serine. This variant is not present in population databases (ExAC no frequency). This variant has not been reported in the literature in individuals with PEX10-related conditions. Algorithms developed to predict the effect of missense changes on protein structure and function output the following: SIFT: "Tolerated"; PolyPhen-2: "Benign"; Align-GVGD: "Class C0". The serine amino acid residue is found in multiple mammalian species, suggesting that this missense change does not adversely affect protein function. These predictions have not been confirmed by published functional studies and their clinical significance is uncertain. In summary, the available evidence is currently insufficient to determine the role of this variant in disease. Therefore, it has been classified as a Variant of Uncertain Significance.